The following is an entry in ClinVar:

NM_001385641.1(SAMD11):c.2532T>G (p.Cys844Trp)

Gene: SAMD11 (sterile alpha motif domain containing 11; plus strand). Cytogenetic location: 1p36.33.
Variant type: single nucleotide variant.
Coding change: c.2532T>G on transcript NM_001385641.1 (MANE Select); coding-DNA position 2532, T replaced by G.
Protein change: p.Cys844Trp; replaces cysteine 844 with tryptophan.
Molecular consequence: missense variant.
Genome position (GRCh38, 1-based): chr1:944,150, T>G. VCF-style: chr1-944150-T-G. GRCh37 (hg19) VCF-style: chr1-879530-T-G.
Other names: c.2535T>G, p.Cys845Trp (NM_001385640.1); c.2043T>G, p.Cys681Trp (NM_152486.4); short protein forms C681W, C844W, C845W.
Identifiers: ClinVar variation 962400 (VCV000962400.8), dbSNP rs370766372, ClinGen allele CA503462.

ClinVar aggregate classification (germline): Uncertain significance (1 of 4 stars; one submission).

Allele frequency attached by ClinVar (database versions not stated): TOPMed 0.00002; gnomAD 0.00003; ESP Exome Variant Server 0.00016.
gnomAD v4.1: 62 of 1,551,202 alleles (0.004%); highest among the groups gnomAD compares: Non-Finnish European, 0.0052%; no homozygotes.

Submission:

Labcorp Genetics (formerly Invitae), Labcorp
Classification: Uncertain significance. Last evaluated: 2022-09-13. Review status: criteria provided, single submitter. Criteria: Invitae Variant Classification Sherloc (09022015). Collection method: clinical testing. Allele origin: germline.
Comment: Algorithms developed to predict the effect of sequence changes on RNA splicing suggest that this variant may create or strengthen a splice site. This sequence change replaces cysteine, which is neutral and slightly polar, with tryptophan, which is neutral and slightly polar, at codon 681 of the SAMD11 protein (p.Cys681Trp). This variant is present in population databases (rs370766372, gnomAD 0.007%). This variant has not been reported in the literature in individuals affected with SAMD11-related conditions. ClinVar contains an entry for this variant (Variation ID: 962400). Algorithms developed to predict the effect of missense changes on protein structure and function are either unavailable or do not agree on the potential impact of this missense change (SIFT: "Deleterious"; PolyPhen-2: "Probably Damaging"; Align-GVGD: "Class C0"). In summary, the available evidence is currently insufficient to determine the role of this variant in disease. Therefore, it has been classified as a Variant of Uncertain Significance.